The following is an entry in ClinVar:

NM_001166108.2(PALLD):c.1965-12595C>G

Gene: PALLD (palladin, cytoskeletal associated protein; plus strand). Cytogenetic location: 4q32.3.
Variant type: single nucleotide variant.
Coding change: c.1965-12595C>G on transcript NM_001166108.2 (MANE Select); 12595 bases into the intron before coding-DNA position 1965, C replaced by G.
Molecular consequence: intron variant. On other transcripts: missense variant (1).
Genome position (GRCh38, 1-based): chr4:168,878,327, C>G. VCF-style: chr4-168878327-C-G. GRCh37 (hg19) VCF-style: chr4-169799478-C-G.
Other names: c.436C>G, p.Leu146Val (NM_001166110.2); c.1965-12595C>G (NM_016081.4); c.819-12595C>G (NM_001166109.2); c.-157-12595C>G (NM_001367570.1, NM_001367568.1, NM_001367567.1 and 1 more transcripts); short protein forms L146V.
Identifiers: ClinVar variation 3927569 (VCV003927569.1).

ClinVar aggregate classification (germline): Uncertain significance (1 of 4 stars; one submission).

gnomAD v4.1: 1 of 1,523,246 alleles (0.000066%); highest among the groups gnomAD compares: Non-Finnish European, 0.000088%; no homozygotes.

Submission:

Ambry Genetics
Classification: Uncertain significance. Last evaluated: 2025-06-06. Review status: criteria provided, single submitter. Criteria: Ambry Variant Classification Scheme 2023. Collection method: clinical testing. Allele origin: germline.
Comment: The p.L146V variant (also known as c.436C>G), located in coding exon 1 of the PALLD gene, results from a C to G substitution at nucleotide position 436. The leucine at codon 146 is replaced by valine, an amino acid with highly similar properties. This amino acid position is conserved. In addition, this alteration is predicted to be tolerated by in silico analysis. Based on the available evidence, the clinical significance of this variant remains unclear.